The following is an entry in ClinVar:

ClinVar aggregate classification (germline): Uncertain significance (1 of 4 stars; one submission).

Allele frequency attached by ClinVar (database versions not stated): gnomAD exomes below 0.00001.

Submission:

GeneDx
Classification: Uncertain significance. Last evaluated: 2023-03-26. Review status: criteria provided, single submitter. Criteria: GeneDx Variant Classification Process June 2021. Collection method: clinical testing. Allele origin: germline. Affected: yes.
Comment: Not observed at significant frequency in large population cohorts (gnomAD); In silico analysis supports that this missense variant has a deleterious effect on protein structure/function; Has not been previously published as pathogenic or benign to our knowledge

NM_014232.3(VAMP2):c.256C>T (p.Arg86Cys)

Gene: VAMP2 (vesicle associated membrane protein 2; minus strand). Cytogenetic location: 17p13.1.
Variant type: single nucleotide variant.
Coding change: c.256C>T on transcript NM_014232.3 (MANE Select); coding-DNA position 256, C replaced by T.
Protein change: p.Arg86Cys; replaces arginine 86 with cysteine.
Molecular consequence: missense variant.
Genome position (GRCh38, 1-based): chr17:8,161,634, G>A on the plus strand (C>T on the coding strand, the complement: VAMP2 is on the minus strand). VCF-style: chr17-8161634-G-A. GRCh37 (hg19) VCF-style: chr17-8064952-G-A.
Other names: c.262C>T, p.Arg88Cys (NM_001330125.1); short protein forms R86C, R88C.
Identifiers: ClinVar variation 2582025 (VCV002582025.1), dbSNP rs2507691172, ClinGen allele CA397965156.